The following is an entry in ClinVar:

ClinVar aggregate classification (germline): Uncertain significance. Review status: criteria provided, multiple submitters, no conflicts (2 of 4 stars). 2 submissions from 2 submitters: Uncertain significance (2). Last evaluated 2023-08-10.

Allele frequency attached by ClinVar (database versions not stated): gnomAD exomes below 0.00001 and 0.00001.
gnomAD v4.1: 10 of 1,612,138 alleles (0.00062%); highest among the groups gnomAD compares: South Asian, 0.0044%; no homozygotes.

Submissions (2):

Labcorp Genetics (formerly Invitae), Labcorp
Classification: Uncertain significance. Last evaluated: 2023-08-10. Review status: criteria provided, single submitter. Criteria: Invitae Variant Classification Sherloc (09022015). Collection method: clinical testing. Allele origin: germline.
Comment: In summary, the available evidence is currently insufficient to determine the role of this variant in disease. Therefore, it has been classified as a Variant of Uncertain Significance. Advanced modeling of protein sequence and biophysical properties (such as structural, functional, and spatial information, amino acid conservation, physicochemical variation, residue mobility, and thermodynamic stability) performed at Invitae indicates that this missense variant is not expected to disrupt PDE6C protein function. ClinVar contains an entry for this variant (Variation ID: 1391297). This variant has not been reported in the literature in individuals affected with PDE6C-related conditions. This variant is present in population databases (no rsID available, gnomAD 0.003%). This sequence change replaces aspartic acid, which is acidic and polar, with asparagine, which is neutral and polar, at codon 292 of the PDE6C protein (p.Asp292Asn).

Blueprint Genetics
Classification: Uncertain significance. Last evaluated: 2023-05-30. Review status: criteria provided, single submitter. Criteria: ACMG Guidelines, 2015. Collection method: clinical testing. Allele origin: germline.

NM_006204.4(PDE6C):c.874G>A (p.Asp292Asn)

Gene: PDE6C (phosphodiesterase 6C; plus strand). Cytogenetic location: 10q23.33.
Variant type: single nucleotide variant.
Coding change: c.874G>A on transcript NM_006204.4 (MANE Select); coding-DNA position 874, G replaced by A.
Protein change: p.Asp292Asn; replaces aspartic acid 292 with asparagine.
Molecular consequence: missense variant.
Genome position (GRCh38, 1-based): chr10:93,625,584, G>A. VCF-style: chr10-93625584-G-A. GRCh37 (hg19) VCF-style: chr10-95385341-G-A.
Other names: short protein forms D292N.
Identifiers: ClinVar variation 1391297 (VCV001391297.9), dbSNP rs1315180804, ClinGen allele CA377630615.